The following is an entry in ClinVar:

NM_001166108.2(PALLD):c.*110G>A

Genes: CBR4 (carbonyl reductase 4; minus strand), PALLD (palladin, cytoskeletal associated protein; plus strand). Cytogenetic location: 4q32.3.
Variant type: single nucleotide variant.
Coding change: c.*110G>A on transcript NM_001166108.2 (MANE Select); 110 bases downstream of the stop codon, G replaced by A.
Molecular consequence: 3 prime UTR variant. On other transcripts: missense variant (4).
Genome position (GRCh38, 1-based): chr4:168,926,290, G>A. VCF-style: chr4-168926290-G-A. GRCh37 (hg19) VCF-style: chr4-169847441-G-A.
Other names: c.2239G>A, p.Asp747Asn (NM_001166109.2); c.1924G>A, p.Asp642Asn (NM_001166110.2); c.*110G>A (NM_001367567.1, NM_001367570.1, NM_016081.4); c.1315G>A, p.Asp439Asn (NM_001367568.1); c.1264G>A, p.Asp422Asn (NM_001367569.1); short protein forms D439N, D642N, D747N, D422N.
Identifiers: ClinVar variation 3885330 (VCV003885330.1).
Genomic context (GRCh38, chr4:168,926,290, plus strand): 5'-TCACAGAGCACCAAGCCAAAAAAAGTACGGCCCTCAGCCAGTCGCTATGCAGCACTTTCG[G>A]ACCAGGGACTAGACATCAAAGCAGCGTTCCAACCTGAGGCCAACCCATCTCACCTGACAC-3'

ClinVar aggregate classification (germline): Uncertain significance (1 of 4 stars; one submission).

Submission:

Ambry Genetics
Classification: Uncertain significance. Last evaluated: 2025-02-08. Review status: criteria provided, single submitter. Criteria: Ambry Variant Classification Scheme 2023. Collection method: clinical testing. Allele origin: germline.
Comment: The p.D642N variant (also known as c.1924G>A), located in coding exon 11 of the PALLD gene, results from a G to A substitution at nucleotide position 1924. The aspartic acid at codon 642 is replaced by asparagine, an amino acid with highly similar properties. This amino acid position is conserved. In addition, this alteration is predicted to be tolerated by in silico analysis. Based on the available evidence, the clinical significance of this variant remains unclear.